The following is an entry in ClinVar:

ClinVar aggregate classification (germline): Uncertain significance (1 of 4 stars; one submission).

Conditions:
Hereditary cancer-predisposing syndrome. Also called: Hereditary Cancer Syndrome; Neoplastic Syndromes, Hereditary; Tumor predisposition; Hereditary neoplastic syndrome. Identifiers: Orphanet 140162, MedGen C0027672, MeSH D009386, MONDO:0015356.

Submission:

Ambry Genetics
Classification: Uncertain significance for Hereditary cancer-predisposing syndrome. Last evaluated: 2020-03-28. Review status: criteria provided, single submitter. Criteria: Ambry Variant Classification Scheme 2023. Collection method: clinical testing. Allele origin: germline.
Comment: The p.F788S variant (also known as c.2363T>C), located in coding exon 14 of the PMS2 gene, results from a T to C substitution at nucleotide position 2363. The phenylalanine at codon 788 is replaced by serine, an amino acid with highly dissimilar properties. This amino acid position is highly conserved in available vertebrate species. In addition, this alteration is predicted to be deleterious by in silico analysis. Since supporting evidence is limited at this time, the clinical significance of this alteration remains unclear.

NM_000535.7(PMS2):c.2363T>C (p.Phe788Ser)

Gene: PMS2 (PMS1 homolog 2, mismatch repair system component; minus strand). Cytogenetic location: 7p22.1.
Variant type: single nucleotide variant.
Coding change: c.2363T>C on transcript NM_000535.7 (MANE Select); coding-DNA position 2363, T replaced by C.
Protein change: p.Phe788Ser; replaces phenylalanine 788 with serine.
Molecular consequence: missense variant. On other transcripts: non-coding transcript variant (1).
Genome position (GRCh38, 1-based): chr7:5,977,670, A>G on the plus strand (T>C on the coding strand, the complement: PMS2 is on the minus strand). VCF-style: chr7-5977670-A-G. GRCh37 (hg19) VCF-style: chr7-6017301-A-G.
Other names: c.1958T>C, p.Phe653Ser (NM_001322003.2, NM_001322004.2, NM_001322005.2); c.2207T>C, p.Phe736Ser (NM_001322006.2); c.2045T>C, p.Phe682Ser (NM_001322007.2, NM_001322008.2); c.1991T>C, p.Phe664Ser (NM_001322009.2); c.1802T>C, p.Phe601Ser (NM_001322010.2); c.1430T>C, p.Phe477Ser (NM_001322011.2, NM_001322012.2); c.1790T>C, p.Phe597Ser (NM_001322013.2); c.2396T>C, p.Phe799Ser (NM_001322014.2); and 1 more; short protein forms F788S, F601S, F799S, F477S, F736S, F597S, F653S, F664S.
Identifiers: ClinVar variation 480302 (VCV000480302.5), dbSNP rs1554293904, ClinGen allele CA366735830.